The following is an entry in ClinVar:

ClinVar aggregate classification (germline): Uncertain significance (1 of 4 stars; one submission).

Conditions:
Rubinstein-Taybi syndrome due to EP300 haploinsufficiency. Also called: RUBINSTEIN-TAYBI SYNDROME 2; EP300-Related Rubinstein-Taybi Syndrome. Identifiers: Orphanet 353284, Orphanet 783, MedGen C3150941, MONDO:0013364, OMIM 613684.

Submission:

Institute of Human Genetics, University of Leipzig Medical Center
Classification: Uncertain significance for Rubinstein-Taybi syndrome due to EP300 haploinsufficiency. Last evaluated: 2021-11-01. Review status: criteria provided, single submitter. Criteria: ACMG Guidelines, 2015. Collection method: clinical testing. Allele origin: unknown. Affected: yes.
Comment: _x000D_ Criteria applied: PM2_SUP, PP3

NM_001429.4(EP300):c.1143C>G (p.His381Gln)

Gene: EP300 (EP300 lysine acetyltransferase; plus strand). Cytogenetic location: 22q13.2.
Variant type: single nucleotide variant.
Coding change: c.1143C>G on transcript NM_001429.4 (MANE Select); coding-DNA position 1143, C replaced by G.
Protein change: p.His381Gln; replaces histidine 381 with glutamine.
Molecular consequence: missense variant.
Genome position (GRCh38, 1-based): chr22:41,127,723, C>G. VCF-style: chr22-41127723-C-G. GRCh37 (hg19) VCF-style: chr22-41523727-C-G.
Other names: c.1143C>G, p.His381Gln (NM_001362843.2); short protein forms H381Q.
Identifiers: ClinVar variation 1325807 (VCV001325807.1), dbSNP rs2145710465, ClinGen allele CA411684292.
Genomic context (GRCh38, chr22:41,127,723, plus strand): 5'-GAGGCAGTGCAACCTTCCCCACTGTCGCACAATGAAGAATGTCCTAAACCACATGACACA[C>G]TGCCAGTCAGGCAAGTCTTGCCAAGGTAAGTGGACCCACAGGGTTACTGTACTTAGCAAT-3'
Protein context (NP_001420.2, residues 371-391): TMKNVLNHMT[His381Gln]CQSGKSCQVA